The following is an entry in ClinVar:

NM_001101.5(ACTB):c.1007A>G (p.Lys336Arg)

Gene: ACTB (actin beta; minus strand). Cytogenetic location: 7p22.1.
Variant type: single nucleotide variant.
Coding change: c.1007A>G on transcript NM_001101.5 (MANE Select); coding-DNA position 1007, A replaced by G.
Protein change: p.Lys336Arg; replaces lysine 336 with arginine.
Molecular consequence: missense variant.
Genome position (GRCh38, 1-based): chr7:5,527,869, T>C on the plus strand (A>G on the coding strand, the complement: ACTB is on the minus strand). VCF-style: chr7-5527869-T-C. GRCh37 (hg19) VCF-style: chr7-5567500-T-C.
Other names: NC_000007.13:g.5567500T>C; short protein forms K336R.
Identifiers: ClinVar variation 4338510 (VCV004338510.2).

ClinVar aggregate classification (germline): Uncertain significance (1 of 4 stars; one submission).

Conditions:
Baraitser-Winter syndrome 1 (BRWS1). Also called: BARAITSER-WINTER SYNDROME 1, ATYPICAL; PACHYGYRIA, MENTAL RETARDATION, EPILEPSY, AND CHARACTERISTIC FACIES; MENTAL RETARDATION WITH EPILEPSY AND CHARACTERISTIC FACIES; Cerebrofrontofacial syndrome. Identifiers: Orphanet 2649, Orphanet 2995, MedGen C1855722, MONDO:0009470, OMIM 243310.

gnomAD v4.1: 2 of 1,613,930 alleles (0.00012%); highest among the groups gnomAD compares: African/African-American, 0.0013%; no homozygotes.

Submissions (2):

Labcorp Genetics (formerly Invitae), Labcorp
Classification: Uncertain significance for Baraitser-Winter syndrome 1. Last evaluated: 2025-08-18. Review status: criteria provided, single submitter. Criteria: Invitae Variant Classification Sherloc (09022015). Collection method: clinical testing. Allele origin: germline.
Comment: This sequence change replaces lysine, which is basic and polar, with arginine, which is basic and polar, at codon 336 of the ACTB protein (p.Lys336Arg). This variant is present in population databases (no rsID available, gnomAD 0.01%). This variant has not been reported in the literature in individuals affected with ACTB-related conditions. Invitae Evidence Modeling of protein sequence and biophysical properties (such as structural, functional, and spatial information, amino acid conservation, physicochemical variation, residue mobility, and thermodynamic stability) indicates that this missense variant is not expected to disrupt ACTB protein function with a negative predictive value of 80%. In summary, the available evidence is currently insufficient to determine the role of this variant in disease. Therefore, it has been classified as a Variant of Uncertain Significance.

Dr. Peter K. Rogan Lab, Western University
No classification provided (evidence only). Condition: Uterine corpus endometrial carcinoma. Review status: no classification provided. Collection method: in vitro. Allele origin: not applicable. Functional consequence: retained intron. Not counted in ClinVar's aggregate classification.